The following is an entry in ClinVar:

NM_182894.3(VSX2):c.667G>A (p.Gly223Arg)

Gene: VSX2 (visual system homeobox 2; plus strand). Cytogenetic location: 14q24.3.
Variant type: single nucleotide variant.
Coding change: c.667G>A on transcript NM_182894.3 (MANE Select); coding-DNA position 667, G replaced by A.
Protein change: p.Gly223Arg; replaces glycine 223 with arginine.
Molecular consequence: missense variant.
Genome position (GRCh38, 1-based): chr14:74,259,689, G>A. VCF-style: chr14-74259689-G-A. GRCh37 (hg19) VCF-style: chr14-74726392-G-A.
Other names: short protein forms G223R.
Identifiers: ClinVar variation 221963 (VCV000221963.14), dbSNP rs755799430, ClinGen allele CA071309.

ClinVar aggregate classification (germline): Pathogenic/Likely pathogenic. Review status: criteria provided, multiple submitters, no conflicts (2 of 4 stars). 4 submissions from 4 submitters: Pathogenic (1); Likely pathogenic (3). Last evaluated 2024-03-25.

Conditions:
VSX2-related Microphthalmia.
Anophthalmia-microphthalmia syndrome. Also called: Anophthalmia/Microphthalmia; Anophthalmia - microphthalmia. Identifiers: Orphanet 98555, MedGen C5680330, MONDO:0020147.
Isolated microphthalmia 2. Identifiers: Orphanet 2542, MedGen C1864720, MONDO:0012409, OMIM 610093.
Microphthalmia. Also called: Microphthalmos. Identifiers: MedGen C0026010, MONDO:0021129, HP:0000568.

Allele frequency attached by ClinVar (database versions not stated): gnomAD exomes below 0.00001 and 0.00001; gnomAD 0.00001; TOPMed 0.00001; ExAC 0.00002.
gnomAD v4.1: 9 of 1,614,000 alleles (0.00056%); highest among the groups gnomAD compares: African/African-American, 0.0027%; no homozygotes.

Submissions (4):

Natera, Inc.
Classification: Likely pathogenic for Microphthalmia. Last evaluated: 2024-03-25. Review status: criteria provided, single submitter. Criteria: Natera Variant Classification Schema (03/2026). Collection method: clinical testing. Allele origin: germline.
Comment: The c.667G>A variant in VSX2 is a missense variant predicted to cause substitution of glycine to arginine at amino acid 223. This variant is rare in the general population with a frequency below the threshold expected for the associated phenotype(s). This variant has been observed in one or more individuals affected with the associated recessive disease, as either homozygous or compound heterozygous with a second variant (PMID: 30181649). This variant has been observed to segregate in affected family members (PMID: 24033328). Computational prediction algorithms indicate this variant is likely to affect gene or protein function. Given the available evidence, this variant is classified as Likely Pathogenic.

Labcorp Genetics (formerly Invitae), Labcorp
Classification: Likely pathogenic for Isolated microphthalmia 2. Last evaluated: 2023-11-11. Review status: criteria provided, single submitter. Criteria: Invitae Variant Classification Sherloc (09022015). Collection method: clinical testing. Allele origin: germline.
Comment: This sequence change replaces glycine, which is neutral and non-polar, with arginine, which is basic and polar, at codon 223 of the VSX2 protein (p.Gly223Arg). This variant is present in population databases (rs755799430, gnomAD 0.007%). This missense change has been observed in individual(s) with VSX2-related conditions (PMID: 24033328, 30181649). In at least one individual the data is consistent with being in trans (on the opposite chromosome) from a pathogenic variant. ClinVar contains an entry for this variant (Variation ID: 221963). Advanced modeling of protein sequence and biophysical properties (such as structural, functional, and spatial information, amino acid conservation, physicochemical variation, residue mobility, and thermodynamic stability) performed at Invitae indicates that this missense variant is expected to disrupt VSX2 protein function with a positive predictive value of 80%. This variant disrupts the p.Gly223 amino acid residue in VSX2. Other variant(s) that disrupt this residue have been observed in individuals with VSX2-related conditions (PMID: 21976963), which suggests that this may be a clinically significant amino acid residue. In summary, the currently available evidence indicates that the variant is pathogenic, but additional data are needed to prove that conclusively. Therefore, this variant has been classified as Likely Pathogenic.

Women's Health and Genetics/Laboratory Corporation of America, LabCorp
Classification: Likely pathogenic. Last evaluated: 2023-08-10. Review status: criteria provided, single submitter. Criteria: LabCorp Variant Classification Summary - May 2015. Collection method: clinical testing. Allele origin: germline.
Comment: Variant summary: VSX2 c.667G>A (p.Gly223Arg) results in a non-conservative amino acid change located in the CVC domain (IPR023339) of the encoded protein sequence. Five of five in-silico tools predict a damaging effect of the variant on protein function. The variant allele was found at a frequency of 8e-06 in 251320 control chromosomes (gnomAD). c.667G>A has been reported in the literature as a biallelic genotype in at least two individuals affected with VSX2-related Microphthalmia, including one case where it was confrmed to be in trans with a pathogenic variant and the proband also had an affected sibling (who was not genetically tested) (e.g. Chassaing_2014, Matias-Perez_2018). These data indicate that the variant may be associated with disease. To our knowledge, no experimental evidence demonstrating an impact on protein function has been reported. However, another variant affecting the same amino acid (c.668G>C, p.Gly223Ala) has been reported in association with affected individuals in the HGMD database, suggesting Gly223 is likely important for protein function. The following publications have been ascertained in the context of this evaluation (PMID: 24033328, 30181649). Three submitters have cited clinical-significance assessments for this variant to ClinVar after 2014 and classified the variant as likely pathogenic (n=2) and VUS (n=1). Based on the evidence outlined above, the variant was classified as likely pathogenic.

Paul Sabatier University EA-4555, Paul Sabatier University
Classification: Pathogenic. Last evaluated: 2013-01-01. Review status: criteria provided, single submitter. Criteria: Chassaing et al. (Genome Res. 2016). Collection method: clinical testing. Allele origin: inherited. Inheritance: Autosomal recessive inheritance. Affected: yes. Observed: 1 compound heterozygote.
Comment: frameshit, compound heterozygosity

Literature cited by the submitters: PubMed 30181649 (cited by 3 submitters); PubMed 24033328 (cited by 3 submitters); PubMed 21976963 (cited by Labcorp Genetics (formerly Invitae), Labcorp).